The following is an entry in ClinVar:

ClinVar aggregate classification (germline): Uncertain significance (1 of 4 stars; one submission).

Conditions:
Familial adenomatous polyposis 1 (FAP1). Also called: FAMILIAL ADENOMATOUS POLYPOSIS 1, ATTENUATED; POLYPOSIS, ADENOMATOUS INTESTINAL. Identifiers: MedGen C2713442, MONDO:0021056, OMIM 175100. Disease mechanism: loss of function.

Submission:

Labcorp Genetics (formerly Invitae), Labcorp
Classification: Uncertain significance for Familial adenomatous polyposis 1. Last evaluated: 2025-02-12. Review status: criteria provided, single submitter. Criteria: Invitae Variant Classification Sherloc (09022015). Collection method: clinical testing. Allele origin: germline.
Comment: This variant occurs in a non-coding region of the APC gene. It does not change the encoded amino acid sequence of the APC protein. This variant is not present in population databases (gnomAD no frequency). This variant has not been reported in the literature in individuals affected with APC-related conditions. Experimental studies and prediction algorithms are not available or were not evaluated, and the functional significance of this variant is currently unknown. In summary, the available evidence is currently insufficient to determine the role of this variant in disease. Therefore, it has been classified as a Variant of Uncertain Significance.

NC_000005.10:g.112707440C>T

Gene: APC (APC regulator of Wnt signaling pathway; plus strand). Cytogenetic location: 5q22.2.
Variant type: single nucleotide variant.
Genome position: GRCh38 VCF-style: chr5-112707440-C-T. GRCh37 (hg19) VCF-style: chr5-112043137-C-T.
Identifiers: ClinVar variation 1347547 (VCV001347547.6), dbSNP rs968227350, ClinGen allele CA2573138762.
Genomic context (GRCh38, chr5:112,707,440, plus strand): 5'-TCACGGGACAGAACAGCGAAGCAGTGCCCGGCAAGCGGAGCGCAGCACCCATTGCGCCTG[C>T]GCATAACAGGCTCTAGTCTCCGGGCTGTGGGAAGCCAGCAACACCTCTCACGCATGCGCA-3'